The following is an entry in ClinVar:

NM_015346.4(ZFYVE26):c.1859C>T (p.Pro620Leu)

Gene: ZFYVE26 (zinc finger FYVE-type containing 26; minus strand). Cytogenetic location: 14q24.1.
Variant type: single nucleotide variant.
Coding change: c.1859C>T on transcript NM_015346.4 (MANE Select); coding-DNA position 1859, C replaced by T.
Protein change: p.Pro620Leu; replaces proline 620 with leucine.
Molecular consequence: missense variant.
Genome position (GRCh38, 1-based): chr14:67,798,403, G>A on the plus strand (C>T on the coding strand, the complement: ZFYVE26 is on the minus strand). VCF-style: chr14-67798403-G-A. GRCh37 (hg19) VCF-style: chr14-68265120-G-A.
Other names: c.1859C>T (NM_015346.3); short protein forms P620L.
Identifiers: ClinVar variation 1499010 (VCV001499010.7), dbSNP rs1446154884, ClinGen allele CA390175709.

ClinVar aggregate classification (germline): Uncertain significance. Review status: criteria provided, multiple submitters, no conflicts (2 of 4 stars). 2 submissions from 2 submitters: Uncertain significance (2). Last evaluated 2025-04-19.

Conditions:
Spastic paraplegia. Identifiers: MedGen C0037772, HP:0001258.
Inborn genetic diseases. Identifiers: MedGen C0950123, MeSH D030342.

Allele frequency attached by ClinVar (database versions not stated): gnomAD 0.00002; gnomAD exomes below 0.00001; TOPMed 0.00003.
gnomAD v4.1: 6 of 1,613,028 alleles (0.00037%); highest among the groups gnomAD compares: African/African-American, 0.0053%; no homozygotes.

Submissions (2):

Ambry Genetics
Classification: Uncertain significance for Inborn genetic diseases. Last evaluated: 2025-04-19. Review status: criteria provided, single submitter. Criteria: Ambry Variant Classification Scheme 2023. Collection method: clinical testing. Allele origin: germline.

Labcorp Genetics (formerly Invitae), Labcorp
Classification: Uncertain significance for Spastic paraplegia. Last evaluated: 2024-07-15. Review status: criteria provided, single submitter. Criteria: Invitae Variant Classification Sherloc (09022015). Collection method: clinical testing. Allele origin: germline.
Comment: This sequence change replaces proline, which is neutral and non-polar, with leucine, which is neutral and non-polar, at codon 620 of the ZFYVE26 protein (p.Pro620Leu). This variant is present in population databases (no rsID available, gnomAD 0.002%). This variant has not been reported in the literature in individuals affected with ZFYVE26-related conditions. ClinVar contains an entry for this variant (Variation ID: 1499010). An algorithm developed to predict the effect of missense changes on protein structure and function (PolyPhen-2) suggests that this variant¬†is likely to be tolerated. In summary, the available evidence is currently insufficient to determine the role of this variant in disease. Therefore, it has been classified as a Variant of Uncertain Significance.